The following is an entry in ClinVar:

NM_015295.3(SMCHD1):c.2604-2A>G

Gene: SMCHD1 (structural maintenance of chromosomes flexible hinge domain containing 1; plus strand). Cytogenetic location: 18p11.32.
Variant type: single nucleotide variant.
Coding change: c.2604-2A>G on transcript NM_015295.3 (MANE Select); the canonical splice acceptor site of the intron before coding-DNA position 2604, A replaced by G.
Molecular consequence: splice acceptor variant.
Genome position (GRCh38, 1-based): chr18:2,724,897, A>G. VCF-style: chr18-2724897-A-G. GRCh37 (hg19) VCF-style: chr18-2724895-A-G.
Identifiers: ClinVar variation 4879848 (VCV004879848.1).

ClinVar aggregate classification (germline): Likely pathogenic (1 of 4 stars; one submission).

Conditions:
Facioscapulohumeral muscular dystrophy 2 (FSHD2). Also called: MUSCULAR DYSTROPHY, FACIOSCAPULOHUMERAL, TYPE 1B; FACIOSCAPULOHUMERAL MUSCULAR DYSTROPHY 2, DIGENIC; FSHD2, DIGENIC. Identifiers: Orphanet 269, MedGen C1834671, MONDO:0008031, OMIM 158901.

gnomAD v4.1: 2 of 1,549,378 alleles (0.00013%); highest among the groups gnomAD compares: Non-Finnish European, 0.00018%; no homozygotes.

Submission:

MVZ Medizinische Genetik Mainz
Classification: Likely pathogenic for Facioscapulohumeral muscular dystrophy 2. Last evaluated: 2026-06-24. Review status: criteria provided, single submitter. Criteria: UK Practice Guidelines For Variant Classification V4 01 2020. Collection method: clinical testing. Allele origin: germline. Inheritance: Autosomal dominant inheritance. Affected: yes. Observed: 1 variant allele.
Comment: ACMG Criteria: PVS1,PM2_SUP